The following is an entry in ClinVar:

ClinVar aggregate classification (germline): Uncertain significance (1 of 4 stars; one submission).

Conditions:
Catecholaminergic polymorphic ventricular tachycardia 1. Also called: VENTRICULAR TACHYCARDIA, CATECHOLAMINERGIC POLYMORPHIC, 1, WITH OR WITHOUT ATRIAL DYSFUNCTION AND/OR DILATED CARDIOMYOPATHY; RYR2-Related Catecholaminergic Polymorphic Ventricular Tachycardia; VENTRICULAR TACHYCARDIA, STRESS-INDUCED POLYMORPHIC 1. Identifiers: Orphanet 3286, MedGen C1631597, MONDO:0011484, OMIM 604772.

Submission:

Labcorp Genetics (formerly Invitae), Labcorp
Classification: Uncertain significance for Catecholaminergic polymorphic ventricular tachycardia 1. Last evaluated: 2024-08-06. Review status: criteria provided, single submitter. Criteria: Invitae Variant Classification Sherloc (09022015). Collection method: clinical testing. Allele origin: germline.
Comment: This sequence change replaces glycine, which is neutral and non-polar, with arginine, which is basic and polar, at codon 3894 of the RYR2 protein (p.Gly3894Arg). This variant is not present in population databases (gnomAD no frequency). This variant has not been reported in the literature in individuals affected with RYR2-related conditions. Advanced modeling of protein sequence and biophysical properties (such as structural, functional, and spatial information, amino acid conservation, physicochemical variation, residue mobility, and thermodynamic stability) performed at Invitae indicates that this missense variant is expected to disrupt RYR2 protein function with a positive predictive value of 95%. Algorithms developed to predict the effect of sequence changes on RNA splicing suggest that this variant may disrupt the consensus splice site. In summary, the available evidence is currently insufficient to determine the role of this variant in disease. Therefore, it has been classified as a Variant of Uncertain Significance.

NM_001035.3(RYR2):c.11680G>A (p.Gly3894Arg)

Gene: RYR2 (ryanodine receptor 2; plus strand). Cytogenetic location: 1q43.
Variant type: single nucleotide variant.
Coding change: c.11680G>A on transcript NM_001035.3 (MANE Select); coding-DNA position 11680, G replaced by A.
Protein change: p.Gly3894Arg; replaces glycine 3894 with arginine.
Molecular consequence: missense variant.
Genome position (GRCh38, 1-based): chr1:237,773,553, G>A. VCF-style: chr1-237773553-G-A. GRCh37 (hg19) VCF-style: chr1-237936853-G-A.
Other names: short protein forms G3894R.
Identifiers: ClinVar variation 3633833 (VCV003633833.2).